The following is an entry in ClinVar:

NM_003000.3(SDHB):c.203G>A (p.Cys68Tyr)

Gene: SDHB (succinate dehydrogenase complex iron sulfur subunit B; minus strand). Cytogenetic location: 1p36.13.
Variant type: single nucleotide variant.
Coding change: c.203G>A on transcript NM_003000.3 (MANE Select); coding-DNA position 203, G replaced by A.
Protein change: p.Cys68Tyr; replaces cysteine 68 with tyrosine.
Molecular consequence: missense variant.
Genome position (GRCh38, 1-based): chr1:17,033,143, C>T on the plus strand (G>A on the coding strand, the complement: SDHB is on the minus strand). VCF-style: chr1-17033143-C-T. GRCh37 (hg19) VCF-style: chr1-17359638-C-T.
Other names: short protein forms C68Y.
Identifiers: ClinVar variation 143027 (VCV000143027.12), dbSNP rs587782904, ClinGen allele CA015598.

ClinVar aggregate classification (germline): Pathogenic/Likely pathogenic. Review status: criteria provided, multiple submitters, no conflicts (2 of 4 stars). 3 submissions from 3 submitters: Pathogenic (1); Likely pathogenic (2). Last evaluated 2025-10-09.

Conditions:
Gastrointestinal stromal tumor. Also called: Gastrointestinal stromal tumor, somatic; Gastrointestinal stroma tumor. Identifiers: Orphanet 44890, MedGen C0238198, MeSH D046152, MONDO:0011719, OMIM 606764, HP:0100723.
Pheochromocytoma. Also called: MAX-Related Hereditary Paraganglioma-Pheochromocytoma Syndrome. Identifiers: Orphanet 29072, MedGen C0031511, MONDO:0008233, OMIM 171300, HP:0002666.
Pheochromocytoma/paraganglioma syndrome 4. Also called: Paragangliomas 4; PARAGANGLIOMA, FAMILIAL MALIGNANT; PARAGANGLIOMAS, HEREDITARY EXTRAADRENAL; PHEOCHROMOCYTOMA, FAMILIAL EXTRAADRENAL; SDHB-Related Hereditary Paraganglioma-Pheochromocytoma Syndrome; CAROTID BODY TUMORS AND MULTIPLE EXTRAADRENAL PHEOCHROMOCYTOMAS. Identifiers: Orphanet 29072, MedGen C1861848, MONDO:0007273, OMIM 115310.
Hereditary cancer-predisposing syndrome. Also called: Tumor predisposition; Neoplastic Syndromes, Hereditary; Hereditary Cancer Syndrome; Hereditary neoplastic syndrome. Identifiers: Orphanet 140162, MedGen C0027672, MeSH D009386, MONDO:0015356.
Hereditary pheochromocytoma and paraganglioma. Also called: Hereditary Paraganglioma-Pheochromocytoma Syndromes; Hereditary paragangliomas and pheochromocytomas; Hereditary pheochromocytoma-paraganglioma. Identifiers: Orphanet 29072, MedGen C4274332, MONDO:0017366.

Allele frequency attached by ClinVar (database versions not stated): gnomAD exomes below 0.00001.
gnomAD v4.1: 1 of 1,609,804 alleles (0.000062%); highest among the groups gnomAD compares: Non-Finnish European, 0.000085%; no homozygotes.

Submissions (3):

Ambry Genetics
Classification: Pathogenic for Hereditary cancer-predisposing syndrome. Last evaluated: 2025-10-09. Review status: criteria provided, single submitter. Criteria: Ambry Variant Classification Scheme 2023. Collection method: clinical testing. Allele origin: germline.
Comment: The p.C68Y variant (also known as c.203G>A), located in coding exon 3 of the SDHB gene, results from a G to A substitution at nucleotide position 203. The cysteine at codon 68 is replaced by tyrosine, an amino acid with highly dissimilar properties. This alteration has been reported in multiple patients with paragangliomas and pheochromocytomas (Burnichon N et al. Hum. Mol. Genet. 2011 Oct;20:3974-85; Loriot et al. J Clin Endocrinol Metab. 2012 Jun;97(6):E954-62; Bennedb&aelig;k M et al. Hered Cancer Clin Pract. 2016 Jun;14:13; Ben Aim L et al. J Med Genet, 2019 Aug;56:513-520; Main AM et al. Endocr Connect, 2020 Aug;9:793-803). This amino acid position is highly conserved in available vertebrate species. In addition, this alteration is predicted to be deleterious by in silico analysis. Based on the supporting evidence, this variant is interpreted as a disease-causing mutation.

Department of Clinical Genetics, Copenhagen University Hospital, Rigshospitalet
Classification: Likely pathogenic for Hereditary pheochromocytoma and paraganglioma. Last evaluated: 2025-01-24. Review status: criteria provided, single submitter. Criteria: ACMG Guidelines, 2015. Collection method: clinical testing. Allele origin: germline.
Comment: The following ACMG criteria have been used in classification: PM2_SUP; PS4; PP3

Labcorp Genetics (formerly Invitae), Labcorp
Classification: Likely pathogenic for Gastrointestinal stromal tumor; Pheochromocytoma/paraganglioma syndrome 4; Pheochromocytoma. Last evaluated: 2021-04-02. Review status: criteria provided, single submitter. Criteria: Invitae Variant Classification Sherloc (09022015). Collection method: clinical testing. Allele origin: germline.
Comment: In summary, the currently available evidence indicates that the variant is pathogenic, but additional data are needed to prove that conclusively. Therefore, this variant has been classified as Likely Pathogenic. A structural analysis predicts that this missense change located near the 2Fe-2S cluster may affect proper SDHB protein conformation or folding (PMID: 22904323). In addition, general algorithms developed to predict the effect of missense changes on protein structure and function (SIFT, PolyPhen-2, Align-GVGD) all suggest that this variant is likely to be disruptive, but these predictions have not been confirmed by published functional studies. This variant has been observed in individual(s) with clinical features of hereditary paraganglioma-pheochromocytoma syndrome (PMID: 22492777, 19576851, 21520333, 27279923, 30877234, 22517557, Invitae). This variant is not present in population databases (ExAC no frequency). This sequence change replaces cysteine with tyrosine at codon 68 of the SDHB protein (p.Cys68Tyr). The cysteine residue is highly conserved and there is a large physicochemical difference between cysteine and tyrosine.

Literature cited by the submitters: PubMed 21784903 (cited by Ambry Genetics); PubMed 22492777 (cited by Ambry Genetics and Labcorp Genetics (formerly Invitae), Labcorp); PubMed 27279923 (cited by 3 submitters); PubMed 30877234 (cited by Ambry Genetics and Labcorp Genetics (formerly Invitae), Labcorp); PubMed 32688340 (cited by Ambry Genetics); PubMed 22904323 (cited by Labcorp Genetics (formerly Invitae), Labcorp); PubMed 19576851 (cited by Labcorp Genetics (formerly Invitae), Labcorp); PubMed 21520333 (cited by Labcorp Genetics (formerly Invitae), Labcorp); PubMed 22517557 (cited by Labcorp Genetics (formerly Invitae), Labcorp).